The following is an entry in ClinVar:

ClinVar aggregate classification (germline): Likely benign (0 of 4 stars; one submission).

Conditions:
DOCK6-related disorder. Also called: DOCK6-related condition.

Allele frequency attached by ClinVar (database versions not stated): gnomAD exomes 0.00002; ExAC 0.00009; gnomAD 0.00018; TOPMed 0.00020; ESP Exome Variant Server 0.00032.
gnomAD v4.1: 50 of 1,604,808 alleles (0.0031%); highest among the groups gnomAD compares: African/African-American, 0.064%; no homozygotes.

Submission:

PreventionGenetics, part of Exact Sciences
Classification: Likely benign for DOCK6-related condition. Last evaluated: 2020-06-29. Review status: no assertion criteria provided. Collection method: clinical testing. Allele origin: germline.
Comment: This variant is classified as likely benign based on ACMG/AMP sequence variant interpretation guidelines (Richards et al. 2015 PMID: 25741868, with internal and published modifications).

NM_020812.4(DOCK6):c.4338+6C>T

Genes: DOCK6 (dedicator of cytokinesis 6; minus strand), DOCK6-AS1 (DOCK6 antisense RNA 1; plus strand). Cytogenetic location: 19p13.2.
Variant type: single nucleotide variant.
Coding change: c.4338+6C>T on transcript NM_020812.4 (MANE Select); 6 bases into the intron after coding-DNA position 4338, C replaced by T.
Molecular consequence: intron variant.
Genome position (GRCh38, 1-based): chr19:11,214,269, G>A on the plus strand (C>T on the coding strand, the complement: DOCK6 is on the minus strand). VCF-style: chr19-11214269-G-A. GRCh37 (hg19) VCF-style: chr19-11324945-G-A.
Other names: c.4443+6C>T (NM_001367830.1).
Identifiers: ClinVar variation 3054531 (VCV003054531.2), dbSNP rs374225403, ClinGen allele CA9206906.